The following is an entry in ClinVar:

NC_000002.11:g.(?_236949375)_(237032766_?)dup

Gene: AGAP1 (ArfGAP with GTPase domain, ankyrin repeat and PH domain 1; plus strand). Cytogenetic location: 2q37.2.
Variant type: Duplication.
Identifiers: ClinVar variation 2426001 (VCV002426001.4).

ClinVar aggregate classification (germline): Uncertain significance (1 of 4 stars; one submission).

Submission:

Labcorp Genetics (formerly Invitae), Labcorp
Classification: Uncertain significance. Last evaluated: 2023-03-03. Review status: criteria provided, single submitter. Criteria: Invitae Variant Classification Sherloc (09022015). Collection method: clinical testing. Allele origin: germline.
Comment: In summary, the available evidence is currently insufficient to determine the role of this variant in disease. Therefore, it has been classified as a Variant of Uncertain Significance. Experimental studies and prediction algorithms are not available or were not evaluated, and the functional significance of this variant is currently unknown. This variant has not been reported in the literature in individuals affected with AGAP1-related conditions. This variant results in a copy number gain of the genomic region encompassing exon(s) 14-17 of the AGAP1 gene. This region includes the termination codon of the gene. This copy number gain extends beyond the assayed region for this gene and therefore may encompass additional genes. As the precise location of this event is unknown, it may be in tandem or it may be located elsewhere in the genome.